The following is an entry in ClinVar:

NM_020937.4(FANCM):c.412G>T (p.Val138Phe)

Gene: FANCM (FA complementation group M; plus strand). Cytogenetic location: 14q21.2.
Variant type: single nucleotide variant.
Coding change: c.412G>T on transcript NM_020937.4 (MANE Select); coding-DNA position 412, G replaced by T.
Protein change: p.Val138Phe; replaces valine 138 with phenylalanine.
Molecular consequence: missense variant.
Genome position (GRCh38, 1-based): chr14:45,136,443, G>T. VCF-style: chr14-45136443-G-T. GRCh37 (hg19) VCF-style: chr14-45605646-G-T.
Other names: c.412G>T, p.Val138Phe (NM_001308133.2, NM_001308134.2); short protein forms V138F.
Identifiers: ClinVar variation 4619605 (VCV004619605.1).

ClinVar aggregate classification (germline): Uncertain significance (1 of 4 stars; one submission).

Conditions:
Inborn genetic diseases. Identifiers: MedGen C0950123, MeSH D030342.

Submission:

Ambry Genetics
Classification: Uncertain significance for Inborn genetic diseases. Last evaluated: 2025-11-25. Review status: criteria provided, single submitter. Criteria: Ambry Variant Classification Scheme 2023. Collection method: clinical testing. Allele origin: germline.
Comment: The p.V138F variant (also known as c.412G>T), located in coding exon 1 of the FANCM gene, results from a G to T substitution at nucleotide position 412. The valine at codon 138 is replaced by phenylalanine, an amino acid with highly similar properties. This amino acid position is conserved. In addition, the in silico prediction for this alteration is inconclusive. Based on the available evidence, the clinical significance of this variant remains unclear.